The following is an entry in ClinVar:

NM_015978.3(TNNI3K):c.2012C>A (p.Ala671Glu)

Genes: FPGT-TNNI3K (FPGT-TNNI3K readthrough; plus strand), TNNI3K (TNNI3 interacting kinase; plus strand). Cytogenetic location: 1p31.1.
Variant type: single nucleotide variant.
Coding change: c.2012C>A on transcript NM_015978.3 (MANE Select); coding-DNA position 2012, C replaced by A.
Protein change: p.Ala671Glu; replaces alanine 671 with glutamic acid.
Molecular consequence: missense variant.
Genome position (GRCh38, 1-based): chr1:74,463,441, C>A. VCF-style: chr1-74463441-C-A. GRCh37 (hg19) VCF-style: chr1-74929125-C-A.
Other names: c.2315C>A, p.Ala772Glu (NM_001112808.3, NM_001199327.2); short protein forms A671E, A772E.
Identifiers: ClinVar variation 3603844 (VCV003603844.2).

ClinVar aggregate classification (germline): Uncertain significance (1 of 4 stars; one submission).

gnomAD v4.1: 11 of 1,614,092 alleles (0.00068%); highest among the groups gnomAD compares: Non-Finnish European, 0.00093%; no homozygotes.

Submission:

Labcorp Genetics (formerly Invitae), Labcorp
Classification: Uncertain significance. Last evaluated: 2025-01-22. Review status: criteria provided, single submitter. Criteria: Invitae Variant Classification Sherloc (09022015). Collection method: clinical testing. Allele origin: germline.
Comment: This sequence change replaces alanine, which is neutral and non-polar, with glutamic acid, which is acidic and polar, at codon 671 of the TNNI3K protein (p.Ala671Glu). This variant is present in population databases (rs201064243, gnomAD 0.0009%). This variant has not been reported in the literature in individuals affected with TNNI3K-related conditions. An algorithm developed to predict the effect of missense changes on protein structure and function (PolyPhen-2) suggests that this variant is likely to be disruptive. In summary, the available evidence is currently insufficient to determine the role of this variant in disease. Therefore, it has been classified as a Variant of Uncertain Significance.